The following is an entry in ClinVar:

ClinVar aggregate classification (germline): Uncertain significance (1 of 4 stars; one submission).

Conditions:
Exostoses, multiple, type 2 (EXT2). Also called: Hereditary Multiple Osteochondromatosis, Type II; EXOSTOSES, MULTIPLE, TYPE II. Identifiers: Orphanet 321, MedGen C1851413, MONDO:0007586, OMIM 133701.

Allele frequency attached by ClinVar (database versions not stated): TOPMed below 0.00001; gnomAD 0.00001.
gnomAD v4.1: 13 of 1,613,122 alleles (0.00081%); highest among the groups gnomAD compares: Non-Finnish European, 0.001%; no homozygotes.

Submission:

Labcorp Genetics (formerly Invitae), Labcorp
Classification: Uncertain significance for Exostoses, multiple, type 2. Last evaluated: 2025-07-14. Review status: criteria provided, single submitter. Criteria: Invitae Variant Classification Sherloc (09022015). Collection method: clinical testing. Allele origin: germline.
Comment: This sequence change replaces valine, which is neutral and non-polar, with leucine, which is neutral and non-polar, at codon 305 of the EXT2 protein (p.Val305Leu). This variant is present in population databases (no rsID available, gnomAD 0.007%). This variant has not been reported in the literature in individuals affected with EXT2-related conditions. ClinVar contains an entry for this variant (Variation ID: 2741014). Invitae Evidence Modeling of protein sequence and biophysical properties (such as structural, functional, and spatial information, amino acid conservation, physicochemical variation, residue mobility, and thermodynamic stability) indicates that this missense variant is not expected to disrupt EXT2 protein function with a negative predictive value of 95%. In summary, the available evidence is currently insufficient to determine the role of this variant in disease. Therefore, it has been classified as a Variant of Uncertain Significance.

NM_207122.2(EXT2):c.913G>C (p.Val305Leu)

Gene: EXT2 (exostosin glycosyltransferase 2; plus strand). Cytogenetic location: 11p11.2.
Variant type: single nucleotide variant.
Coding change: c.913G>C on transcript NM_207122.2 (MANE Select); coding-DNA position 913, G replaced by C.
Protein change: p.Val305Leu; replaces valine 305 with leucine.
Molecular consequence: missense variant.
Genome position (GRCh38, 1-based): chr11:44,124,958, G>C. VCF-style: chr11-44124958-G-C. GRCh37 (hg19) VCF-style: chr11-44146508-G-C.
Other names: c.1012G>C, p.Val338Leu (NM_000401.3); c.913G>C, p.Val305Leu (NM_001178083.3, NM_001389628.1, NM_001389630.1); short protein forms V305L, V338L.
Identifiers: ClinVar variation 2741014 (VCV002741014.3), dbSNP rs1227246529, ClinGen allele CA380168637.